The following is an entry in ClinVar:

ClinVar aggregate classification (germline): Uncertain significance (1 of 4 stars; one submission).

Conditions:
Familial adenomatous polyposis 1 (FAP1). Also called: FAMILIAL ADENOMATOUS POLYPOSIS 1, ATTENUATED; POLYPOSIS, ADENOMATOUS INTESTINAL. Identifiers: MedGen C2713442, MONDO:0021056, OMIM 175100. Disease mechanism: loss of function.

Submission:

Labcorp Genetics (formerly Invitae), Labcorp
Classification: Uncertain significance for Familial adenomatous polyposis 1. Last evaluated: 2021-09-01. Review status: criteria provided, single submitter. Criteria: Invitae Variant Classification Sherloc (09022015). Collection method: clinical testing. Allele origin: germline.
Comment: This variant occurs in a non-coding region of the APC gene. It does not change the encoded amino acid sequence of the APC protein. The frequency data for this variant in the population databases is considered unreliable, as metrics indicate insufficient coverage at this position in the ExAC database. This variant has not been reported in the literature in individuals affected with APC-related conditions. Experimental studies and prediction algorithms are not available or were not evaluated, and the functional significance of this variant is currently unknown. In summary, the available evidence is currently insufficient to determine the role of this variant in disease. Therefore, it has been classified as a Variant of Uncertain Significance.

NM_001127511.3(APC):c.-148A>T

Gene: APC (APC regulator of Wnt signaling pathway; plus strand). Cytogenetic location: 5q22.2.
Variant type: single nucleotide variant.
Coding change: c.-148A>T on transcript NM_001127511.3; 148 bases upstream of the start codon, A replaced by T.
Molecular consequence: 5 prime UTR variant. On other transcripts: non-coding transcript variant (2).
Genome position (GRCh38, 1-based): chr5:112,707,570, A>T. VCF-style: chr5-112707570-A-T. GRCh37 (hg19) VCF-style: chr5-112043267-A-T.
Other names: c.-331A>T (NM_001354895.2, NM_001407447.1, NM_001407452.1 and 3 more transcripts); c.-148A>T (NM_001354897.2, NM_001354902.2, NM_001407446.1); c.-98A>T (NM_001407448.1, NM_001407450.1, NM_001407457.1 and 1 more transcripts); c.-122A>T (NM_001407453.1); c.-1366A>T (NM_001407470.1, NM_001407472.1).
Identifiers: ClinVar variation 1043989 (VCV001043989.7), dbSNP rs953056092, ClinGen allele CA1573442459.
Genomic context (GRCh38, chr5:112,707,570, plus strand): 5'-TCCCACCTCCCACAAGATGGCGGAGGGCAAGTAGCAAGGGGGCGGGGTGTGGCCGCCGGA[A>T]GCCTAGCCGCTGCTCGGGGGGGACCTGCGGGCTCAGGCCCGGGAGCTGCGGACCGAGGTT-3'